The following is an entry in ClinVar:

ClinVar aggregate classification (germline): Uncertain significance (1 of 4 stars; one submission).

Conditions:
Inborn genetic diseases. Identifiers: MedGen C0950123, MeSH D030342.

gnomAD v4.1: 4 of 1,613,938 alleles (0.00025%); highest among the groups gnomAD compares: Non-Finnish European, 0.00034%; no homozygotes.

Submission:

Ambry Genetics
Classification: Uncertain significance for Inborn genetic diseases. Last evaluated: 2026-06-09. Review status: criteria provided, single submitter. Criteria: Ambry Variant Classification Scheme 2023. Collection method: clinical testing. Allele origin: germline.
Comment: The c.1182A>C (p.L394F) alteration is located in exon 9 (coding exon 9) of the CDC42BPB gene. This alteration results from a A to C substitution at nucleotide position 1182, causing the leucine (L) at amino acid position 394 to be replaced by a phenylalanine (F). Based on data from gnomAD, the C allele has an overall frequency of <0.001% (1/251424) total alleles studied. The highest observed frequency was 0.001% (1/113744) of European (non-Finnish) alleles. Based on insufficient or conflicting evidence, the clinical significance of this alteration remains unclear.

NM_006035.4(CDC42BPB):c.1182A>C (p.Leu394Phe)

Gene: CDC42BPB (CDC42 binding protein kinase beta; minus strand). Cytogenetic location: 14q32.32.
Variant type: single nucleotide variant.
Coding change: c.1182A>C on transcript NM_006035.4 (MANE Select); coding-DNA position 1182, A replaced by C.
Protein change: p.Leu394Phe; replaces leucine 394 with phenylalanine.
Molecular consequence: missense variant.
Genome position (GRCh38, 1-based): chr14:102,978,164, T>G on the plus strand (A>C on the coding strand, the complement: CDC42BPB is on the minus strand). VCF-style: chr14-102978164-T-G. GRCh37 (hg19) VCF-style: chr14-103444501-T-G.
Other names: c.1182A>C, p.Leu394Phe (NM_001411054.1); short protein forms L394F.
Identifiers: ClinVar variation 4868337 (VCV004868337.1).